The following is an entry in ClinVar:

NM_000287.4(PEX6):c.83C>G (p.Pro28Arg)

Gene: PEX6 (peroxisomal biogenesis factor 6; minus strand). Cytogenetic location: 6p21.1.
Variant type: single nucleotide variant.
Coding change: c.83C>G on transcript NM_000287.4 (MANE Select); coding-DNA position 83, C replaced by G.
Protein change: p.Pro28Arg; replaces proline 28 with arginine.
Molecular consequence: missense variant. On other transcripts: non-coding transcript variant (1).
Genome position (GRCh38, 1-based): chr6:42,979,068, G>C on the plus strand (C>G on the coding strand, the complement: PEX6 is on the minus strand). VCF-style: chr6-42979068-G-C. GRCh37 (hg19) VCF-style: chr6-42946806-G-C.
Other names: c.83C>G, p.Pro28Arg (NM_001316313.2); short protein forms P28R.
Identifiers: ClinVar variation 2016551 (VCV002016551.4), dbSNP rs1487775539, ClinGen allele CA364169327.

ClinVar aggregate classification (germline): Uncertain significance (1 of 4 stars; one submission).

Conditions:
Peroxisome biogenesis disorder. Identifiers: Orphanet 79189, MedGen C1832200, MONDO:0019234. Disease mechanism: loss of function.

Submission:

Labcorp Genetics (formerly Invitae), Labcorp
Classification: Uncertain significance for Peroxisome biogenesis disorder. Last evaluated: 2022-07-13. Review status: criteria provided, single submitter. Criteria: Invitae Variant Classification Sherloc (09022015). Collection method: clinical testing. Allele origin: germline.
Comment: This sequence change replaces proline, which is neutral and non-polar, with arginine, which is basic and polar, at codon 28 of the PEX6 protein (p.Pro28Arg). This variant is not present in population databases (gnomAD no frequency). This variant has not been reported in the literature in individuals affected with PEX6-related conditions. Algorithms developed to predict the effect of missense changes on protein structure and function are either unavailable or do not agree on the potential impact of this missense change (SIFT: "Tolerated"; PolyPhen-2: "Probably Damaging"; Align-GVGD: "Class C0"). In summary, the available evidence is currently insufficient to determine the role of this variant in disease. Therefore, it has been classified as a Variant of Uncertain Significance.